The following is an entry in ClinVar:

NM_001271.4(CHD2):c.4915dup (p.Asp1639fs)

Gene: CHD2 (chromodomain helicase DNA binding protein 2; plus strand). Cytogenetic location: 15q26.1.
Variant type: Duplication.
Coding change: c.4915dup on transcript NM_001271.4 (MANE Select); coding-DNA position 4915, one base duplicated (G; older notation c.4915dupG).
Protein change: p.Asp1639fs; shifts the reading frame from aspartic acid 1639.
Molecular consequence: frameshift variant.
Genome position (GRCh38, 1-based): chr15:93,020,020, G duplicated. VCF-style (leftmost placement, unchanged base first): chr15-93020019-A-AG. GRCh37 (hg19) VCF-style: chr15-93563249-A-AG.
Other names: short protein forms D1639fs.
Identifiers: ClinVar variation 2737653 (VCV002737653.3), dbSNP rs2505641667, ClinGen allele CA2697549418.

ClinVar aggregate classification (germline): Pathogenic (1 of 4 stars; one submission).

Conditions:
Developmental and epileptic encephalopathy 94 (DEE94). Also called: Epileptic encephalopathy, childhood-onset; CHD2-Related Neurodevelopmental Disorders. Identifiers: Orphanet 1942, Orphanet 2382, MedGen C3809278, MONDO:0014150, OMIM 615369.

Submission:

Labcorp Genetics (formerly Invitae), Labcorp
Classification: Pathogenic for Developmental and epileptic encephalopathy 94. Last evaluated: 2023-07-07. Review status: criteria provided, single submitter. Criteria: Invitae Variant Classification Sherloc (09022015). Collection method: clinical testing. Allele origin: germline.
Comment: This sequence change creates a premature translational stop signal (p.Asp1639Glyfs*28) in the CHD2 gene. It is expected to result in an absent or disrupted protein product. Loss-of-function variants in CHD2 are known to be pathogenic (PMID: 23708187, 24207121). This variant is not present in population databases (gnomAD no frequency). This variant has not been reported in the literature in individuals affected with CHD2-related conditions. For these reasons, this variant has been classified as Pathogenic.

Literature cited by the submitters: PubMed 23708187; PubMed 24207121.